The following is an entry in ClinVar:

NM_152564.5(VPS13B):c.762+4G>A

Gene: VPS13B (vacuolar protein sorting 13 homolog B; plus strand). Cytogenetic location: 8q22.2.
Variant type: single nucleotide variant.
Coding change: c.762+4G>A on transcript NM_152564.5 (MANE Select); 4 bases into the intron after coding-DNA position 762, G replaced by A.
Molecular consequence: intron variant.
Genome position (GRCh38, 1-based): chr8:99,111,283, G>A. VCF-style: chr8-99111283-G-A. GRCh37 (hg19) VCF-style: chr8-100123511-G-A.
Other names: c.762+4G>A (NM_017890.5, NM_015243.3, NM_181661.3).
Identifiers: ClinVar variation 1355950 (VCV001355950.6), dbSNP rs2132482160, ClinGen allele CA2573143554.

ClinVar aggregate classification (germline): Uncertain significance (1 of 4 stars; one submission).

Conditions:
Cohen syndrome (COH1). Also called: PEPPER SYNDROME; Cutis verticis gyrata, retinitis pigmentosa, and sensorineural deafness. Identifiers: Orphanet 193, MedGen C0265223, MONDO:0008999, OMIM 216550.

Submission:

Labcorp Genetics (formerly Invitae), Labcorp
Classification: Uncertain significance for Cohen syndrome. Last evaluated: 2022-08-15. Review status: criteria provided, single submitter. Criteria: Invitae Variant Classification Sherloc (09022015). Collection method: clinical testing. Allele origin: germline.
Comment: This variant has not been reported in the literature in individuals affected with VPS13B-related conditions. This variant is not present in population databases (gnomAD no frequency). This sequence change falls in intron 6 of the VPS13B gene. It does not directly change the encoded amino acid sequence of the VPS13B protein. It affects a nucleotide within the consensus splice site. ClinVar contains an entry for this variant (Variation ID: 1355950). In summary, the available evidence is currently insufficient to determine the role of this variant in disease. Therefore, it has been classified as a Variant of Uncertain Significance. Variants that disrupt the consensus splice site are a relatively common cause of aberrant splicing (PMID: 17576681, 9536098). Algorithms developed to predict the effect of sequence changes on RNA splicing suggest that this variant is not likely to affect RNA splicing.

Literature cited by the submitters: PubMed 17576681; PubMed 9536098.